The following is an entry in ClinVar:

NM_201378.4(PLEC):c.71-5192C>A

Gene: PLEC (plectin; minus strand). Cytogenetic location: 8q24.3.
Variant type: single nucleotide variant.
Coding change: c.71-5192C>A on transcript NM_201378.4 (MANE Plus Clinical); 5192 bases into the intron before coding-DNA position 71, C replaced by A.
Molecular consequence: intron variant. On other transcripts: missense variant (1).
Genome position (GRCh38, 1-based): chr8:143,943,884, G>T on the plus strand (C>A on the coding strand, the complement: PLEC is on the minus strand). VCF-style: chr8-143943884-G-T. GRCh37 (hg19) VCF-style: chr8-145018052-G-T.
Other names: c.7C>A, p.Pro3Thr (NM_201382.4); c.194-5192C>A (NM_001410941.1, NM_000445.5); c.47-5192C>A (NM_201379.3); c.524-5192C>A (NM_201380.4); c.16+764C>A (NM_201381.3); short protein forms P3T.
Identifiers: ClinVar variation 4994902 (VCV004994902.1).
Genomic context (GRCh38, chr8:143,943,884, plus strand): 5'-CAGCGGCCAGGGTGACAACGTGACCCACAACCACCAGGGAGGGAAACAGGCTGCCCGAGG[G>T]CTCCATAGCCGCCACGCGGAGCCGCCAGGGCTGCCCTTCCTGCGCTGGGAACCGGCTGCT-3'

ClinVar aggregate classification (germline): Uncertain significance (1 of 4 stars; one submission).

Conditions:
PLEC-related disorder. Also called: PLEC-related condition; PLEC-related disorders.

gnomAD v4.1: 1 of 1,611,260 alleles (0.000062%); highest among the groups gnomAD compares: Non-Finnish European, 0.000085%; no homozygotes.

Submission:

PreventionGenetics, part of Exact Sciences
Classification: Uncertain significance for PLEC-related condition. Last evaluated: 2025-12-23. Review status: criteria provided, single submitter. Criteria: ACMG Guidelines, 2015. Collection method: clinical testing. Allele origin: germline.
Comment: The PLEC c.7C>A variant is predicted to result in the amino acid substitution p.Pro3Thr. To our knowledge, this variant has not been reported in the literature or in a large population database (gnomAD), indicating this variant is rare. At this time, the clinical significance of this variant is uncertain due to the absence of conclusive functional and genetic evidence.